The following is an entry in ClinVar:

ClinVar aggregate classification (germline): Conflicting classifications of pathogenicity. Review status: criteria provided, conflicting classifications (1 of 4 stars). 4 submissions from 4 submitters: Uncertain significance (1); Benign (1); Likely benign (1). 1 of the submissions does not count toward it. Last evaluated 2026-01-09.

Conditions:
PEX13-related disorder. Also called: PEX13-related condition; PEX13-related disorders.
Peroxisome biogenesis disorder 11A (Zellweger). Also called: Peroxisome biogenesis disorder 11A. Identifiers: Orphanet 912, MedGen C3554000, MONDO:0013949, OMIM 614883.

Allele frequency attached by ClinVar (database versions not stated): ESP Exome Variant Server 0.00008; gnomAD exomes 0.00013 and 0.00023; TOPMed 0.00021; gnomAD 0.00022 and 0.00025; ExAC 0.00025; 1000 Genomes Project 0.00040; 1000 Genomes Project 30x 0.00047.
gnomAD v4.1: 231 of 1,614,212 alleles (0.014%); highest among the groups gnomAD compares: South Asian, 0.19%; 4 homozygotes.

Submissions (4):

Labcorp Genetics (formerly Invitae), Labcorp
Classification: Benign for Peroxisome biogenesis disorder 11A (Zellweger). Last evaluated: 2026-01-09. Review status: criteria provided, single submitter. Criteria: Invitae Variant Classification Sherloc (09022015). Collection method: clinical testing. Allele origin: germline.

Blueprint Genetics
Classification: Likely benign. Last evaluated: 2023-04-27. Review status: criteria provided, single submitter. Criteria: ACMG Guidelines, 2015. Collection method: clinical testing. Allele origin: germline.

Eurofins Ntd Llc (ga)
Classification: Uncertain significance. Last evaluated: 2018-08-28. Review status: criteria provided, single submitter. Criteria: EGL ClinVar v180209 classification definitions. Collection method: clinical testing. Allele origin: germline. Observed: 5 variant alleles, 5 heterozygotes.

PreventionGenetics, part of Exact Sciences
Classification: Likely benign for PEX13-related condition. Last evaluated: 2022-07-26. Review status: no assertion criteria provided. Collection method: clinical testing. Allele origin: germline. Not counted in ClinVar's aggregate classification.
Comment: This variant is classified as likely benign based on ACMG/AMP sequence variant interpretation guidelines (Richards et al. 2015 PMID: 25741868, with internal and published modifications).

NM_002618.4(PEX13):c.142C>T (p.Leu48Phe)

Gene: PEX13 (peroxisomal biogenesis factor 13; plus strand). Cytogenetic location: 2p15.
Variant type: single nucleotide variant.
Coding change: c.142C>T on transcript NM_002618.4 (MANE Select); coding-DNA position 142, C replaced by T.
Protein change: p.Leu48Phe; replaces leucine 48 with phenylalanine.
Molecular consequence: missense variant.
Genome position (GRCh38, 1-based): chr2:61,031,468, C>T. VCF-style: chr2-61031468-C-T. GRCh37 (hg19) VCF-style: chr2-61258603-C-T.
Other names: short protein forms L48F.
Identifiers: ClinVar variation 289192 (VCV000289192.17), dbSNP rs60203778, ClinGen allele CA1673247.